The following is an entry in ClinVar:

ClinVar aggregate classification (germline): Benign. Review status: criteria provided, multiple submitters, no conflicts (2 of 4 stars). 3 submissions from 3 submitters: Benign (3). Last evaluated 2021-05-12.

Conditions:
Oculotrichoanal syndrome (MOTA). Also called: MARLES SYNDROME; Manitoba Oculotrichoanal (MOTA) Syndrome. Identifiers: Orphanet 2717, MedGen C1855425, MONDO:0009560, OMIM 248450.

Allele frequency attached by ClinVar (database versions not stated): gnomAD exomes 0.00384; gnomAD 0.03435 and 0.03677; 1000 Genomes Project 0.03734; TOPMed 0.03880; 1000 Genomes Project 30x 0.03982.
gnomAD v4.1: 6,868 of 567,020 alleles (1.2%); highest among the groups gnomAD compares: African/African-American, 12%; 351 homozygotes.

Submissions (3):

GeneDx
Classification: Benign. Last evaluated: 2021-05-12. Review status: criteria provided, single submitter. Criteria: GeneDx Variant Classification Process June 2021. Collection method: clinical testing. Allele origin: germline. Affected: yes.

Illumina Laboratory Services, Illumina
Classification: Benign for Oculotrichoanal syndrome. Last evaluated: 2018-01-13. Review status: criteria provided, single submitter. Criteria: ICSL Variant Classification Criteria 13 December 2019. Collection method: clinical testing. Allele origin: germline.
Comment: This variant was observed in the ICSL laboratory as part of a predisposition screen in an ostensibly healthy population. It had not been previously curated by ICSL or reported in the Human Gene Mutation Database (HGMD: prior to June 1st, 2018), and was therefore a candidate for classification through an automated scoring system. Utilizing variant allele frequency, disease prevalence and penetrance estimates, and inheritance mode, an automated score was calculated to assess if this variant is too frequent to cause the disease. Based on the score and internal cut-off values, a variant classified as benign is not then subjected to further curation. The score for this variant resulted in a classification of benign for this disease.

Breakthrough Genomics
Classification: Benign. Review status: criteria provided, single submitter. Criteria: ACMG Guidelines, 2015. Collection method: not provided. Allele origin: germline. Inheritance: Autosomal recessive inheritance. Affected: yes.

NM_001379081.2(FREM1):c.*148A>G

Gene: FREM1 (FRAS1 related extracellular matrix 1; minus strand). Cytogenetic location: 9p22.3.
Variant type: single nucleotide variant.
Coding change: c.*148A>G on transcript NM_001379081.2 (MANE Select); 148 bases downstream of the stop codon, A replaced by G.
Molecular consequence: 3 prime UTR variant. On other transcripts: non-coding transcript variant (3).
Genome position (GRCh38, 1-based): chr9:14,737,248, T>C on the plus strand (A>G on the coding strand, the complement: FREM1 is on the minus strand). VCF-style: chr9-14737248-T-C. GRCh37 (hg19) VCF-style: chr9-14737246-T-C.
Other names: c.*148A>G (NM_001177704.3, NM_001370061.2, NM_144966.7); c.*299A>G (NM_001370058.2).
Identifiers: ClinVar variation 366095 (VCV000366095.7), dbSNP rs11999446, ClinGen allele CA10626999.